The following is an entry in ClinVar:

NM_002163.4(IRF8):c.989-33G>C

Gene: IRF8 (interferon regulatory factor 8; plus strand). Cytogenetic location: 16q24.1.
Variant type: single nucleotide variant.
Coding change: c.989-33G>C on transcript NM_002163.4 (MANE Select); 33 bases into the intron before coding-DNA position 989, G replaced by C.
Molecular consequence: intron variant.
Genome position (GRCh38, 1-based): chr16:85,920,076, G>C. VCF-style: chr16-85920076-G-C. GRCh37 (hg19) VCF-style: chr16-85953682-G-C.
Other names: c.1019-33G>C (NM_001363907.1); c.377-33G>C (NM_001363908.1).
Identifiers: ClinVar variation 2628247 (VCV002628247.2), dbSNP rs16940005, ClinGen allele CA8217131.

ClinVar aggregate classification (germline): Benign (1 of 4 stars; one submission).

Allele frequency attached by ClinVar (database versions not stated): 1000 Genomes Project 30x 0.11711; TOPMed 0.11753; 1000 Genomes Project 0.12041; ESP Exome Variant Server 0.12104; gnomAD 0.12269; gnomAD exomes 0.15253; ExAC 0.15524.
gnomAD v4.1: 229,911 of 1,532,714 alleles (15%); highest among the groups gnomAD compares: Middle Eastern, 22%; 18,284 homozygotes.

Submission:

Unidad de Genómica Garrahan, Hospital de Pediatría Garrahan
Classification: Benign. Last evaluated: 2023-11-12. Review status: criteria provided, single submitter. Criteria: ACMG Guidelines, 2015. Collection method: clinical testing. Allele origin: germline. Affected: no. Observed: 27 variant alleles.
Comment: This variant is classified as Benign based on local population frequency. This variant was detected in 28% of patients studied by a panel of primary immunodeficiencies. Number of patients: 27. Only high quality variants are reported.